The following is an entry in ClinVar:

ClinVar aggregate classification (germline): Uncertain significance (1 of 4 stars; one submission).

Conditions:
Arrhythmogenic right ventricular dysplasia, familial, 14. Also called: ARRHYTHMOGENIC RIGHT VENTRICULAR CARDIOMYOPATHY 14. Identifiers: MedGen C5394505, MONDO:0030062, OMIM 618920.

Submission:

Institute of Immunology and Genetics Kaiserslautern
Classification: Uncertain significance for Arrhythmogenic right ventricular dysplasia, familial, 14. Last evaluated: 2025-05-07. Review status: criteria provided, single submitter. Criteria: ACMG Guidelines, 2015. Collection method: clinical testing. Allele origin: germline.
Comment: ACMG Criteria: PM2_P, PP3; Variant was found in heterozygous state.

NM_001792.5(CDH2):c.2459A>G (p.Tyr820Cys)

Genes: CDH2 (cadherin 2; minus strand), CDH2-AS1 (CDH2 antisense RNA 1; plus strand). Cytogenetic location: 18q12.1.
Variant type: single nucleotide variant.
Coding change: c.2459A>G on transcript NM_001792.5 (MANE Select); coding-DNA position 2459, A replaced by G.
Protein change: p.Tyr820Cys; replaces tyrosine 820 with cysteine.
Molecular consequence: missense variant. On other transcripts: non-coding transcript variant (1).
Genome position (GRCh38, 1-based): chr18:27,963,412, T>C on the plus strand (A>G on the coding strand, the complement: CDH2 is on the minus strand). VCF-style: chr18-27963412-T-C. GRCh37 (hg19) VCF-style: chr18-25543376-T-C.
Other names: c.2366A>G, p.Tyr789Cys (NM_001308176.2); short protein forms Y789C, Y820C.
Identifiers: ClinVar variation 4074731 (VCV004074731.1).